The following is an entry in ClinVar:

NM_001076786.3(QSER1):c.133GCC[7] (p.Ala50_Ser51insAla)

Genes: QSER1 (glutamine and serine rich 1; plus strand), LOC130005488 (ATAC-STARR-seq lymphoblastoid silent region 3228; plus strand). Cytogenetic location: 11p13.
Variant type: Microsatellite.
Coding change: c.133GCC[7] on transcript NM_001076786.3 (MANE Select); seven copies in a row of the 3-base unit GCC starting at c.133; the reference has six copies in a row; one copy, 3 bases duplicated.
Protein change: p.Ala50_Ser51insAla.
Molecular consequence: inframe insertion.
Genome position (GRCh38, 1-based): chr11:32,893,273-32,893,275, GCC duplicated; duplicating any 3 consecutive bases within chr11:32,893,258-32,893,275 gives the same sequence; the position shown is the placement nearest the transcript's 3' end. VCF-style (leftmost placement, unchanged base first): chr11-32893257-A-AGCC. GRCh37 (hg19) VCF-style: chr11-32914803-A-AGCC.
Other names: c.133GCC[7], p.Ala50_Ser51insAla (NM_001416036.1, NM_001416037.1, NM_001416038.1 and 1 more transcripts).
Identifiers: ClinVar variation 2641709 (VCV002641709.24), dbSNP rs544970878, ClinGen allele CA220370796.
Genomic context (GRCh38, chr11:32,893,257, plus strand): 5'-CCCCGTCCCCGCCAGCGCCGCTGCGCAGCCCCCCGCCCCAGCCTGGGCGTACGAACCCCG[A>AGCC]GCCGCCGCCGCCGCCGCCAGCAGCAGCTGCAGCAGTGGCAGCTGCAGTAGCGGCAGCAGC-3'

ClinVar aggregate classification (germline): Likely benign (1 of 4 stars; one submission).

Submission:

CeGaT Center for Human Genetics Tuebingen
Classification: Likely benign. Last evaluated: 2025-05-01. Review status: criteria provided, single submitter. Criteria: CeGaT Center For Human Genetics Tuebingen Variant Classification Criteria Version 2. Collection method: clinical testing. Allele origin: germline. Affected: yes. Observed: 2 variant alleles.
Comment: QSER1: PM4:Supporting, BS2